The following is an entry in ClinVar:

NM_003748.4(ALDH4A1):c.43C>T (p.Arg15Cys)

Genes: ALDH4A1 (aldehyde dehydrogenase 4 family member A1; minus strand), LOC129929550 (ATAC-STARR-seq lymphoblastoid silent region 346; plus strand). Cytogenetic location: 1p36.13.
Variant type: single nucleotide variant.
Coding change: c.43C>T on transcript NM_003748.4 (MANE Select); coding-DNA position 43, C replaced by T.
Protein change: p.Arg15Cys; replaces arginine 15 with cysteine.
Molecular consequence: missense variant.
Genome position (GRCh38, 1-based): chr1:18,902,481, G>A on the plus strand (C>T on the coding strand, the complement: ALDH4A1 is on the minus strand). VCF-style: chr1-18902481-G-A. GRCh37 (hg19) VCF-style: chr1-19228975-G-A.
Other names: c.43C>T, p.Arg15Cys (NM_001319218.2, NM_170726.3); short protein forms R15C.
Identifiers: ClinVar variation 1945790 (VCV001945790.5), dbSNP rs2100625391, ClinGen allele CA338769751.

ClinVar aggregate classification (germline): Uncertain significance (1 of 4 stars; one submission).

Conditions:
Hyperprolinemia type 2 (HYRPRO2). Also called: Delta-1-pyrroline-5-carboxylate dehydrogenase deficiency; 1-PYRROLINE-5-CARBOXYLATE DEHYDROGENASE DEFICIENCY; Deficiency of pyrroline-5-carboxylate reductase. Identifiers: Orphanet 79101, MedGen C2931835, MONDO:0009401, OMIM 239510.

Allele frequency attached by ClinVar (database versions not stated): gnomAD exomes below 0.00001.
gnomAD v4.1: 1 of 1,450,758 alleles (0.000069%); highest among the groups gnomAD compares: Non-Finnish European, 0.000091%; no homozygotes.

Submission:

Labcorp Genetics (formerly Invitae), Labcorp
Classification: Uncertain significance for Hyperprolinemia type 2. Last evaluated: 2022-08-21. Review status: criteria provided, single submitter. Criteria: Invitae Variant Classification Sherloc (09022015). Collection method: clinical testing. Allele origin: germline.
Comment: In summary, the available evidence is currently insufficient to determine the role of this variant in disease. Therefore, it has been classified as a Variant of Uncertain Significance. Algorithms developed to predict the effect of missense changes on protein structure and function output the following: SIFT: "Tolerated"; PolyPhen-2: "Not Available"; Align-GVGD: "Class C0". The cysteine amino acid residue is found in multiple mammalian species, which suggests that this missense change does not adversely affect protein function. This variant has not been reported in the literature in individuals affected with ALDH4A1-related conditions. This variant is not present in population databases (gnomAD no frequency). This sequence change replaces arginine, which is basic and polar, with cysteine, which is neutral and slightly polar, at codon 15 of the ALDH4A1 protein (p.Arg15Cys).